The following is an entry in ClinVar:

NM_001277115.2(DNAH11):c.10472G>A (p.Arg3491His)

Gene: DNAH11 (dynein axonemal heavy chain 11; plus strand). Cytogenetic location: 7p15.3.
Variant type: single nucleotide variant.
Coding change: c.10472G>A on transcript NM_001277115.2 (MANE Select); coding-DNA position 10472, G replaced by A.
Protein change: p.Arg3491His; replaces arginine 3491 with histidine.
Molecular consequence: missense variant.
Genome position (GRCh38, 1-based): chr7:21,816,606, G>A. VCF-style: chr7-21816606-G-A. GRCh37 (hg19) VCF-style: chr7-21856224-G-A.
Other names: short protein forms R3491H.
Identifiers: ClinVar variation 198347 (VCV000198347.76), dbSNP rs370932895, ClinGen allele CA246938.
Genomic context (GRCh38, chr7:21,816,606, plus strand): 5'-AAGGACTGCCCAGTGACAGAATGTCCACCGAAAATGCCGCTATCCTAACACACTGTGAGC[G>A]CTGGCCTCTGGTGATAGATCCCCAGCAACAGGGAATTAAGTGGATCAAGAATAAGTATGG-3'
Protein context (NP_001264044.1, residues 3481-3501): ENAAILTHCE[Arg3491His]WPLVIDPQQQ

ClinVar aggregate classification (germline): Conflicting classifications of pathogenicity. Review status: criteria provided, conflicting classifications (1 of 4 stars). 15 submissions from 15 submitters: Likely pathogenic (1); Uncertain significance (10); Benign (1). 3 of the submissions do not count toward it. Last evaluated 2026-01-28.

Conditions:
Developmental defect during embryogenesis. Identifiers: Orphanet 93890, MedGen C5680284, MONDO:0019755.
DNAH11-related disorder. Also called: DNAH11-related condition.
Primary ciliary dyskinesia. Also called: Ciliary dyskinesia. Identifiers: Orphanet 244, MedGen C0008780, MONDO:0016575, HP:0012265.
Primary ciliary dyskinesia 7. Also called: CILIARY DYSKINESIA, PRIMARY, 7, WITH OR WITHOUT SITUS INVERSUS. Identifiers: Orphanet 244, MedGen C2678473, MONDO:0012748, OMIM 611884.

Allele frequency attached by ClinVar (database versions not stated): gnomAD 0.00048 and 0.00056; TOPMed 0.00055; ESP Exome Variant Server 0.00065; gnomAD exomes 0.00065 and 0.00071; ExAC 0.00072; 1000 Genomes Project 30x 0.00094; 1000 Genomes Project 0.00100.
gnomAD v4.1: 1,124 of 1,613,728 alleles (0.07%); highest among the groups gnomAD compares: South Asian, 0.18%; 3 homozygotes.

Submissions (15):

Labcorp Genetics (formerly Invitae), Labcorp
Classification: Benign for Primary ciliary dyskinesia. Last evaluated: 2026-01-28. Review status: criteria provided, single submitter. Criteria: Invitae Variant Classification Sherloc (09022015). Collection method: clinical testing. Allele origin: germline.

GeneDx
Classification: Likely pathogenic. Last evaluated: 2025-12-11. Review status: criteria provided, single submitter. Criteria: GeneDx Variant Classification Process June 2021. Collection method: clinical testing. Allele origin: germline. Affected: yes.
Comment: Reported in the homozygous state in a proband with asymmetry of the thorax, bifid ribs, cleft lip and palate, cognitive impairment, and periventricular leukomalacia, but this individual was reported to have a homozygous variant in another gene that may be causative for these findings (PMID: 30755392); Reported with a pathogenic variant on the opposite allele (in trans) in a patient from a cohort of severely ill neonatal or pediatric patients, but detailed clinical information was not provided (PMID: 35586607); In silico analysis supports that this missense variant has a deleterious effect on protein structure/function; This variant is associated with the following publications: (PMID: 37035737, 30755392, 35586607)

Blueprint Genetics
Classification: Uncertain significance. Last evaluated: 2024-11-01. Review status: criteria provided, single submitter. Criteria: ACMG Guidelines, 2015. Collection method: clinical testing. Allele origin: germline.

Fulgent Genetics
Classification: Uncertain significance for Primary ciliary dyskinesia 7. Last evaluated: 2022-02-24. Review status: criteria provided, single submitter. Criteria: ACMG Guidelines, 2015. Collection method: clinical testing. Allele origin: unknown.

Equipe Genetique des Anomalies du Developpement, Université de Bourgogne
Classification: Uncertain significance for Primary ciliary dyskinesia 7. Last evaluated: 2021-01-29. Review status: criteria provided, single submitter. Criteria: ACMG Guidelines, 2015. Collection method: clinical testing. Allele origin: paternal. Inheritance: Autosomal recessive inheritance.
Comment: This variant was observed in compound heterozygosity with variant c.1848+1G>T

Cambridge Genomics Laboratory, East Genomic Laboratory Hub, NHS Genomic Medicine Service
Classification: Uncertain significance for Developmental defect during embryogenesis. Last evaluated: 2020-05-11. Review status: criteria provided, single submitter. Criteria: ACGS Best Practice Guidelines for Variant Classification in Rare Disease 2020. Collection method: clinical testing. Allele origin: germline. Affected: yes. Observed: 1 variant allele.

Center for Personalized Medicine, Children's Hospital Los Angeles
Classification: Uncertain significance. Last evaluated: 2018-11-19. Review status: criteria provided, single submitter. Criteria: ACMG Guidelines, 2015. Collection method: clinical testing. Allele origin: germline. Affected: yes.

Ambry Genetics
Classification: Uncertain significance for Primary ciliary dyskinesia. Last evaluated: 2018-07-05. Review status: criteria provided, single submitter. Criteria: Ambry Variant Classification Scheme 2023. Collection method: clinical testing. Allele origin: germline.
Comment: The p.R3491H variant (also known as c.10472G>A), located in coding exon 64 of the DNAH11 gene, results from a G to A substitution at nucleotide position 10472. The arginine at codon 3491 is replaced by histidine, an amino acid with highly similar properties. This amino acid position is well conserved in available vertebrate species. Since supporting evidence is limited at this time, the clinical significance of this variant remains unclear.

Illumina Laboratory Services, Illumina
Classification: Uncertain significance for Primary ciliary dyskinesia 7. Last evaluated: 2018-01-12. Review status: criteria provided, single submitter. Criteria: ICSL Variant Classification Criteria 13 December 2019. Collection method: clinical testing. Allele origin: germline.

Laboratory for Molecular Medicine, Mass General Brigham Personalized Medicine
Classification: Uncertain significance. Last evaluated: 2017-02-23. Review status: criteria provided, single submitter. Criteria: LMM Criteria. Collection method: clinical testing. Allele origin: germline. Observed: 2 variant alleles.
Comment: proposed classification - variant undergoing re-assessment, contact laboratory

CeGaT Center for Human Genetics Tuebingen
Classification: Uncertain significance. Last evaluated: 2016-06-01. Review status: criteria provided, single submitter. Criteria: CeGaT Center For Human Genetics Tuebingen Variant Classification Criteria Version 2. Collection method: clinical testing. Allele origin: germline. Affected: yes. Observed: 1 variant allele.

Eurofins Ntd Llc (ga)
Classification: Uncertain significance. Last evaluated: 2014-07-18. Review status: criteria provided, single submitter. Criteria: EGL Classification Definitions 2015. Collection method: clinical testing. Allele origin: germline. Observed: 1 variant allele, 1 heterozygote.

PreventionGenetics, part of Exact Sciences
Classification: Uncertain significance for DNAH11-related condition. Last evaluated: 2024-01-09. Review status: no assertion criteria provided. Collection method: clinical testing. Allele origin: germline. Not counted in ClinVar's aggregate classification.
Comment: The DNAH11 c.10472G>A variant is predicted to result in the amino acid substitution p.Arg3491His. This variant has been reported in the homozygous state in an individual with skeletal anomalies and cognitive impairment who also carries a homozygous truncating variant in TMCO1 (Ji et al. 2019. PubMed ID: 30755392). This variant is reported in 0.17% of alleles in individuals of South Asian descent in gnomAD. At this time, the clinical significance of this variant is uncertain due to the absence of conclusive functional and genetic evidence.

Clinical Genetics DNA and cytogenetics Diagnostics Lab, Erasmus MC, Erasmus Medical Center
Classification: Uncertain significance. Review status: no assertion criteria provided. Collection method: clinical testing. Allele origin: germline. Affected: yes. Study: VKGL Data-share Consensus. Not counted in ClinVar's aggregate classification.

Laboratory of Diagnostic Genome Analysis, Leiden University Medical Center (LUMC)
Classification: Uncertain significance. Review status: no assertion criteria provided. Collection method: clinical testing. Allele origin: germline. Affected: yes. Study: VKGL Data-share Consensus. Not counted in ClinVar's aggregate classification.